The following is an entry in ClinVar:

ClinVar aggregate classification (germline): Uncertain significance (1 of 4 stars; one submission).

Conditions:
Familial cancer of breast. Also called: BREAST CANCER, FAMILIAL; Hereditary breast cancer; hereditary breast carcinoma. Identifiers: Orphanet 227535, MedGen C0346153, MONDO:0016419, OMIM 114480. Disease mechanism: loss of function.

Submission:

KCCC/NGS Laboratory, Kuwait Cancer Control Center
Classification: Uncertain significance for Familial cancer of breast. Last evaluated: 2024-07-31. Review status: criteria provided, single submitter. Criteria: ACMG Guidelines, 2015. Collection method: clinical testing. Allele origin: germline. Inheritance: Autosomal dominant inheritance. Affected: yes. Observed: 1 heterozygote.
Comment: The c.1969+1G>GT intronic variant results from duplication of T at c.1969+2 after coding exon 12 of the RAD50 gene. This Variant neither not found in gnomAD genomes nor in our local database . This variant not reported in ClinVar database. This variant has not been reported in the literature in individuals affected with RAD50-related conditions. This nucleotide position is highly conserved (PhyloP100way=9.846).This sequence change suspected to affects a donor splice site in intron 12 of the RAD50 gene using the BDGP and ESEfinder splice site prediction tools leading to loss of protein function (PMID: 16199547), and loss-of-function variants in RAD50 are known to be pathogenic (PMID: 19409520). Since supporting evidence is limited at this time, the clinical significance of this alteration remains unclear.Therefore, it has been classified as a Variant of Uncertain Significance.

NM_005732.4(RAD50):c.1969+2dup

Gene: RAD50 (RAD50 double strand break repair protein; plus strand). Cytogenetic location: 5q31.1.
Variant type: Duplication.
Coding change: c.1969+2dup on transcript NM_005732.4 (MANE Select); the canonical splice donor site of the intron after coding-DNA position 1969, one base duplicated (T; older notation c.1969+2dupT).
Molecular consequence: splice donor variant.
Genome position (GRCh38, 1-based): chr5:132,595,046, T duplicated. VCF-style (leftmost placement, unchanged base first): chr5-132595045-G-GT. GRCh37 (hg19) VCF-style: chr5-131930737-G-GT.
Identifiers: ClinVar variation 3256611 (VCV003256611.2).